The following is an entry in ClinVar:

ClinVar aggregate classification (germline): Uncertain significance (1 of 4 stars; one submission).

Conditions:
Hereditary cancer-predisposing syndrome. Also called: Tumor predisposition; Hereditary neoplastic syndrome; Hereditary Cancer Syndrome; Neoplastic Syndromes, Hereditary. Identifiers: Orphanet 140162, MedGen C0027672, MeSH D009386, MONDO:0015356.

Submission:

Ambry Genetics
Classification: Uncertain significance for Hereditary cancer-predisposing syndrome. Last evaluated: 2025-05-01. Review status: criteria provided, single submitter. Criteria: Ambry Variant Classification Scheme 2023. Collection method: clinical testing. Allele origin: germline.
Comment: The p.S769T variant (also known as c.2305T>A), located in coding exon 14 of the PMS2 gene, results from a T to A substitution at nucleotide position 2305. The serine at codon 769 is replaced by threonine, an amino acid with similar properties. This amino acid position is conserved. In addition, the in silico prediction for this alteration is inconclusive. Based on the available evidence, the clinical significance of this variant remains unclear.

NM_000535.7(PMS2):c.2305T>A (p.Ser769Thr)

Gene: PMS2 (PMS1 homolog 2, mismatch repair system component; minus strand). Cytogenetic location: 7p22.1.
Variant type: single nucleotide variant.
Coding change: c.2305T>A on transcript NM_000535.7 (MANE Select); coding-DNA position 2305, T replaced by A.
Protein change: p.Ser769Thr; replaces serine 769 with threonine.
Molecular consequence: missense variant. On other transcripts: intron variant (2).
Genome position (GRCh38, 1-based): chr7:5,977,728, A>T on the plus strand (T>A on the coding strand, the complement: PMS2 is on the minus strand). VCF-style: chr7-5977728-A-T. GRCh37 (hg19) VCF-style: chr7-6017359-A-T.
Other names: c.1987T>A, p.Ser663Thr (NM_001322008.2, NM_001406883.1, NM_001322007.2); c.1933T>A, p.Ser645Thr (NM_001322009.2, NM_001406887.1, NM_001406888.1); c.1744T>A, p.Ser582Thr (NM_001322010.2, NM_001406906.1, NM_001406907.1); c.1372T>A, p.Ser458Thr (NM_001322011.2, NM_001322012.2); c.1732T>A, p.Ser578Thr (NM_001322013.2, NM_001406908.1, NM_001406909.1); c.2338T>A, p.Ser780Thr (NM_001322014.2); c.1996T>A, p.Ser666Thr (NM_001322015.2, NM_001406879.1, NM_001406880.1 and 4 more transcripts); c.2491T>A, p.Ser831Thr (NM_001406866.1); and 20 more; short protein forms S634T, S663T, S677T, S717T, S728T, S780T, S831T, S368T.
Identifiers: ClinVar variation 3935132 (VCV003935132.1).
Genomic context (GRCh38, chr7:5,977,728, plus strand): 5'-TGAAGATCAGTTCATCGACGTCCTGGGGTCCGAAGGTCCAGTTTTTACTAGTTGGCAAGG[A>T]AATCAGTTTAGCCCTTTCAGTGACTGGAGCTAAAAGAATACAATTTTGAGAAAAATCCAT-3'
Protein context (NP_000526.2, residues 759-779): APVTERAKLI[Ser769Thr]LPTSKNWTFG